The following is an entry in ClinVar:

ClinVar aggregate classification (germline): Uncertain significance. Review status: criteria provided, multiple submitters, no conflicts (2 of 4 stars). 2 submissions from 2 submitters: Uncertain significance (2). Last evaluated 2025-05-23.

Conditions:
Cardiomyopathy (CMYO). Also called: Cardiomyopathies. Identifiers: Orphanet 167848, MedGen C0878544, MONDO:0004994, HP:0001638. Inheritance: Various modes of inheritance.

Allele frequency attached by ClinVar (database versions not stated): gnomAD exomes 0.00001; TOPMed below 0.00001.
gnomAD v4.1: 3 of 1,613,398 alleles (0.00019%); highest among the groups gnomAD compares: South Asian, 0.0033%; no homozygotes.

Submissions (2):

GeneDx
Classification: Uncertain significance. Last evaluated: 2025-05-23. Review status: criteria provided, single submitter. Criteria: GeneDx Variant Classification Process June 2021. Collection method: clinical testing. Allele origin: germline. Affected: yes.
Comment: Not observed at significant frequency in large population cohorts (gnomAD); In silico analysis supports that this missense variant has a deleterious effect on protein structure/function; Has not been previously published as pathogenic or benign to our knowledge

Color Diagnostics, LLC DBA Color Health
Classification: Uncertain significance for Cardiomyopathy. Last evaluated: 2023-03-28. Review status: criteria provided, single submitter. Criteria: ACMG Guidelines, 2015. Collection method: clinical testing. Allele origin: germline.
Comment: This missense variant replaces asparagine with isoleucine at codon 2818 of the DSP protein. Computational prediction is inconclusive regarding the impact of this variant on protein structure and function (internally defined REVEL score threshold 0.5 < inconclusive < 0.7, PMID: 27666373). To our knowledge, functional studies have not been reported for this variant. This variant has not been reported in individuals affected with DSP-related disorders in the literature. This variant has been identified in 2/249578 chromosomes in the general population by the Genome Aggregation Database (gnomAD). The available evidence is insufficient to determine the role of this variant in disease conclusively. Therefore, this variant is classified as a Variant of Uncertain Significance.

NM_004415.4(DSP):c.8453A>T (p.Asn2818Ile)

Gene: DSP (desmoplakin; plus strand). Cytogenetic location: 6p24.3.
Variant type: single nucleotide variant.
Coding change: c.8453A>T on transcript NM_004415.4 (MANE Select); coding-DNA position 8453, A replaced by T.
Protein change: p.Asn2818Ile; replaces asparagine 2818 with isoleucine.
Molecular consequence: missense variant.
Genome position (GRCh38, 1-based): chr6:7,585,715, A>T. VCF-style: chr6-7585715-A-T. GRCh37 (hg19) VCF-style: chr6-7585948-A-T.
Other names: c.6656A>T, p.Asn2219Ile (NM_001008844.3); c.7124A>T, p.Asn2375Ile (NM_001319034.2); short protein forms N2219I, N2375I, N2818I.
Identifiers: ClinVar variation 2775385 (VCV002775385.3), dbSNP rs1481465109, ClinGen allele CA362695180.